The following is an entry in ClinVar:

ClinVar aggregate classification (germline): Uncertain significance (1 of 4 stars; one submission).

Conditions:
Familial hemophagocytic lymphohistiocytosis 4 (FHL4). Also called: STX11-Related Familial Hemophagocytic Lymphohistiocytosis (STX11-fHLH). Identifiers: Orphanet 540, MedGen C1863728, MONDO:0011336, OMIM 603552.

Allele frequency attached by ClinVar (database versions not stated): gnomAD exomes below 0.00001; TOPMed below 0.00001.

Submission:

Labcorp Genetics (formerly Invitae), Labcorp
Classification: Uncertain significance for Familial hemophagocytic lymphohistiocytosis 4. Last evaluated: 2024-02-24. Review status: criteria provided, single submitter. Criteria: Invitae Variant Classification Sherloc (09022015). Collection method: clinical testing. Allele origin: germline.
Comment: This sequence change replaces arginine, which is basic and polar, with glycine, which is neutral and non-polar, at codon 46 of the STX11 protein (p.Arg46Gly). This variant is present in population databases (no rsID available, gnomAD 0.006%). This variant has not been reported in the literature in individuals affected with STX11-related conditions. ClinVar contains an entry for this variant (Variation ID: 963615). Advanced modeling of protein sequence and biophysical properties (such as structural, functional, and spatial information, amino acid conservation, physicochemical variation, residue mobility, and thermodynamic stability) performed at Invitae indicates that this missense variant is not expected to disrupt STX11 protein function with a negative predictive value of 80%. In summary, the available evidence is currently insufficient to determine the role of this variant in disease. Therefore, it has been classified as a Variant of Uncertain Significance.

NM_003764.4(STX11):c.136C>G (p.Arg46Gly)

Gene: STX11 (syntaxin 11; plus strand). Cytogenetic location: 6q24.2.
Variant type: single nucleotide variant.
Coding change: c.136C>G on transcript NM_003764.4 (MANE Select); coding-DNA position 136, C replaced by G.
Protein change: p.Arg46Gly; replaces arginine 46 with glycine.
Molecular consequence: missense variant.
Genome position (GRCh38, 1-based): chr6:144,186,763, C>G. VCF-style: chr6-144186763-C-G. GRCh37 (hg19) VCF-style: chr6-144507900-C-G.
Other names: short protein forms R46G.
Identifiers: ClinVar variation 963615 (VCV000963615.9), dbSNP rs1394376432, ClinGen allele CA365948606.